The following is an entry in ClinVar:

NM_000219.6(KCNE1):c.207G>C (p.Lys69Asn)

Gene: KCNE1 (potassium voltage-gated channel subfamily E regulatory subunit 1; minus strand). Cytogenetic location: 21q22.12.
Variant type: single nucleotide variant.
Coding change: c.207G>C on transcript NM_000219.6 (MANE Select); coding-DNA position 207, G replaced by C.
Protein change: p.Lys69Asn; replaces lysine 69 with asparagine.
Molecular consequence: missense variant.
Genome position (GRCh38, 1-based): chr21:34,449,428, C>G on the plus strand (G>C on the coding strand, the complement: KCNE1 is on the minus strand). VCF-style: chr21-34449428-C-G. GRCh37 (hg19) VCF-style: chr21-35821726-C-G.
Other names: c.207G>C, p.Lys69Asn (NM_001127668.4, NM_001127669.4, NM_001127670.4 and 4 more transcripts); short protein forms K69N.
Identifiers: ClinVar variation 3374330 (VCV003374330.3).

ClinVar aggregate classification (germline): Uncertain significance (1 of 4 stars; one submission).

Conditions:
Cardiovascular phenotype. Identifiers: MedGen CN230736.

Submissions (2):

Ambry Genetics
Classification: Uncertain significance for Cardiovascular phenotype. Last evaluated: 2024-07-05. Review status: criteria provided, single submitter. Criteria: Ambry Variant Classification Scheme 2023. Collection method: clinical testing. Allele origin: germline.
Comment: The p.K69N variant (also known as c.207G>C), located in coding exon 1 of the KCNE1 gene, results from a G to C substitution at nucleotide position 207. The lysine at codon 69 is replaced by asparagine, an amino acid with similar properties. This amino acid position is well conserved in available vertebrate species. In addition, this alteration is predicted to be tolerated by in silico analysis. Based on the available evidence, the clinical significance of this variant remains unclear.

Roden Lab, Vanderbilt University Medical Center
No classification provided (evidence only). Condition: Long QT syndrome 5. Review status: no classification provided. Collection method: in vitro. Allele origin: not applicable. Functional consequence: Effect on ion channel function. Not counted in ClinVar's aggregate classification.
ClinVar note: "not provided" was previously submitted as the classification for the variant. However, the classification appeared to be based only on an observation of functional data so it was converted to no classification on 2025-07-30.